The following is an entry in ClinVar:

ClinVar aggregate classification (germline): Uncertain significance (1 of 4 stars; one submission).

Conditions:
Inborn genetic diseases. Identifiers: MedGen C0950123, MeSH D030342.

Submission:

Ambry Genetics
Classification: Uncertain significance for Inborn genetic diseases. Last evaluated: 2024-12-21. Review status: criteria provided, single submitter. Criteria: Ambry Variant Classification Scheme 2023. Collection method: clinical testing. Allele origin: germline.
Comment: The p.R235L variant (also known as c.704G>T), located in coding exon 8 of the RTEL1 gene, results from a G to T substitution at nucleotide position 704. The arginine at codon 235 is replaced by leucine, an amino acid with dissimilar properties. This amino acid position is conserved. In addition, the in silico prediction for this alteration is inconclusive. Based on the available evidence, the clinical significance of this variant remains unclear.

NM_001283009.2(RTEL1):c.704G>T (p.Arg235Leu)

Genes: RTEL1 (regulator of telomere elongation helicase 1; plus strand), RTEL1-TNFRSF6B (RTEL1-TNFRSF6B readthrough (NMD candidate); plus strand). Cytogenetic location: 20q13.33.
Variant type: single nucleotide variant.
Coding change: c.704G>T on transcript NM_001283009.2 (MANE Select); coding-DNA position 704, G replaced by T.
Protein change: p.Arg235Leu; replaces arginine 235 with leucine.
Molecular consequence: missense variant. On other transcripts: non-coding transcript variant (1).
Genome position (GRCh38, 1-based): chr20:63,672,560, G>T. VCF-style: chr20-63672560-G-T. GRCh37 (hg19) VCF-style: chr20-62303913-G-T.
Other names: c.35G>T, p.Arg12Leu (NM_001283010.1); c.704G>T, p.Arg235Leu (NM_016434.4); c.776G>T, p.Arg259Leu (NM_032957.5); short protein forms R12L, R259L, R235L.
Identifiers: ClinVar variation 3790995 (VCV003790995.1).
Genomic context (GRCh38, chr20:63,672,560, plus strand): 5'-CCTCTTTCCCGGCCTCTGTGAGCTCCAGCGCTGCGTCCCTTCTCTTCCTCCTGTAGAGCC[G>T]CAGAGCACACAACATTGACCTGAAGGGGACAGTCGTGATCTTTGACGAAGCTCACAACGT-3'
Protein context (NP_001269938.1, residues 225-245): PYNYLLDAKS[Arg235Leu]RAHNIDLKGT